The following is an entry in ClinVar:

NM_001848.3(COL6A1):c.589-3C>T

Gene: COL6A1 (collagen type VI alpha 1 chain; plus strand). Cytogenetic location: 21q22.3.
Variant type: single nucleotide variant.
Coding change: c.589-3C>T on transcript NM_001848.3 (MANE Select); 3 bases into the intron before coding-DNA position 589, C replaced by T.
Molecular consequence: intron variant.
Genome position (GRCh38, 1-based): chr21:45,986,941, C>T. VCF-style: chr21-45986941-C-T. GRCh37 (hg19) VCF-style: chr21-47406855-C-T.
Identifiers: ClinVar variation 952121 (VCV000952121.10), dbSNP rs1288681930, ClinGen allele CA1139666907.

ClinVar aggregate classification (germline): Uncertain significance (1 of 4 stars; one submission).

Conditions:
Bethlem myopathy 1A. Also called: Bethlem Muscular Dystrophy; Bethlem myopathy 1; MYOPATHY, BENIGN CONGENITAL, WITH CONTRACTURES. Identifiers: Orphanet 610, MedGen CN029274, MONDO:0024530, OMIM 158810.

Submission:

Labcorp Genetics (formerly Invitae), Labcorp
Classification: Uncertain significance for Bethlem myopathy 1A. Last evaluated: 2019-07-22. Review status: criteria provided, single submitter. Criteria: Invitae Variant Classification Sherloc (09022015). Collection method: clinical testing. Allele origin: germline.
Comment: In summary, the available evidence is currently insufficient to determine the role of this variant in disease. Therefore, it has been classified as a Variant of Uncertain Significance. Nucleotide substitutions within the consensus splice site are a relatively common cause of aberrant splicing (PMID: 17576681, 9536098). Algorithms developed to predict the effect of sequence changes on RNA splicing suggest that this variant is not likely to affect RNA splicing, but this prediction has not been confirmed by published transcriptional studies. This variant has not been reported in the literature in individuals with COL6A1-related conditions. The frequency data for this variant in the population databases is considered unreliable, as metrics indicate insufficient coverage at this position in the ExAC database. This sequence change falls in intron 4 of the COL6A1 gene. It does not directly change the encoded amino acid sequence of the COL6A1 protein, but it affects a nucleotide within the consensus splice site of the intron.

Literature cited by the submitters: PubMed 17576681; PubMed 9536098.